The following is an entry in ClinVar:

ClinVar aggregate classification (germline): Uncertain significance. Review status: criteria provided, multiple submitters, no conflicts (2 of 4 stars). 2 submissions from 2 submitters: Uncertain significance (2). Last evaluated 2022-02-04.

Conditions:
Jeune thoracic dystrophy. Also called: Jeune syndrome; Infantile thoracic dystrophy; Thoracic pelvic phalangeal dystrophy; Jeune's syndrome; Chondroectodermal dysplasia-like syndrome; Short-rib thoracic dysplasia. Identifiers: Orphanet 474, MedGen C0265275, MONDO:0018770.
Inborn genetic diseases. Identifiers: MedGen C0950123, MeSH D030342.

Allele frequency attached by ClinVar (database versions not stated): gnomAD exomes 0.00001 and 0.00002; ExAC 0.00003; gnomAD 0.00003; TOPMed 0.00003.
gnomAD v4.1: 42 of 1,574,020 alleles (0.0027%); highest among the groups gnomAD compares: Non-Finnish European, 0.003%; no homozygotes.

Submissions (2):

Labcorp Genetics (formerly Invitae), Labcorp
Classification: Uncertain significance for Jeune thoracic dystrophy. Last evaluated: 2022-02-04. Review status: criteria provided, single submitter. Criteria: Invitae Variant Classification Sherloc (09022015). Collection method: clinical testing. Allele origin: germline.
Comment: This sequence change replaces serine, which is neutral and polar, with alanine, which is neutral and non-polar, at codon 1121 of the DYNC2H1 protein (p.Ser1121Ala). This variant is present in population databases (rs772782945, gnomAD 0.005%). This variant has not been reported in the literature in individuals affected with DYNC2H1-related conditions. Advanced modeling of protein sequence and biophysical properties (such as structural, functional, and spatial information, amino acid conservation, physicochemical variation, residue mobility, and thermodynamic stability) performed at Invitae indicates that this missense variant is not expected to disrupt DYNC2H1 protein function. In summary, the available evidence is currently insufficient to determine the role of this variant in disease. Therefore, it has been classified as a Variant of Uncertain Significance.

Ambry Genetics
Classification: Uncertain significance for Inborn genetic diseases. Last evaluated: 2021-11-10. Review status: criteria provided, single submitter. Criteria: Ambry Variant Classification Scheme 2023. Collection method: clinical testing. Allele origin: germline.

NM_001377.3(DYNC2H1):c.3361T>G (p.Ser1121Ala)

Gene: DYNC2H1 (dynein cytoplasmic 2 heavy chain 1; plus strand). Cytogenetic location: 11q22.3.
Variant type: single nucleotide variant.
Coding change: c.3361T>G on transcript NM_001377.3 (MANE Select); coding-DNA position 3361, T replaced by G.
Protein change: p.Ser1121Ala; replaces serine 1121 with alanine.
Molecular consequence: missense variant.
Genome position (GRCh38, 1-based): chr11:103,154,509, T>G. VCF-style: chr11-103154509-T-G. GRCh37 (hg19) VCF-style: chr11-103025238-T-G.
Other names: c.3361T>G, p.Ser1121Ala (NM_001080463.2); c.3361T>G (NM_001080463.1); short protein forms S1121A.
Identifiers: ClinVar variation 1477770 (VCV001477770.6), dbSNP rs772782945, ClinGen allele CA6253304.